The following is an entry in ClinVar:

NM_001010892.3(RSPH4A):c.1976C>A (p.Pro659His)

Gene: RSPH4A (radial spoke head component 4A; plus strand). Cytogenetic location: 6q22.1.
Variant type: single nucleotide variant.
Coding change: c.1976C>A on transcript NM_001010892.3 (MANE Select); coding-DNA position 1976, C replaced by A.
Protein change: p.Pro659His; replaces proline 659 with histidine.
Molecular consequence: missense variant. On other transcripts: 3 prime UTR variant (1).
Genome position (GRCh38, 1-based): chr6:116,632,266, C>A. VCF-style: chr6-116632266-C-A. GRCh37 (hg19) VCF-style: chr6-116953429-C-A.
Other names: c.*37C>A (NM_001161664.2); short protein forms P659H.
Identifiers: ClinVar variation 525236 (VCV000525236.6), dbSNP rs372634959, ClinGen allele CA3971097.

ClinVar aggregate classification (germline): Uncertain significance (1 of 4 stars; one submission).

Conditions:
Primary ciliary dyskinesia. Also called: Ciliary dyskinesia. Identifiers: Orphanet 244, MedGen C0008780, MONDO:0016575, HP:0012265.

Allele frequency attached by ClinVar (database versions not stated): ExAC 0.00002; gnomAD exomes 0.00002; TOPMed 0.00002; ESP Exome Variant Server 0.00008.
gnomAD v4.1: 43 of 1,612,174 alleles (0.0027%); highest among the groups gnomAD compares: Non-Finnish European, 0.0036%; no homozygotes.

Submission:

Labcorp Genetics (formerly Invitae), Labcorp
Classification: Uncertain significance for Primary ciliary dyskinesia. Last evaluated: 2022-10-17. Review status: criteria provided, single submitter. Criteria: Invitae Variant Classification Sherloc (09022015). Collection method: clinical testing. Allele origin: germline.
Comment: This sequence change replaces proline, which is neutral and non-polar, with histidine, which is basic and polar, at codon 659 of the RSPH4A protein (p.Pro659His). This variant is present in population databases (rs372634959, gnomAD 0.004%). This missense change has been observed in individual(s) with clinical features of RSPH4A-related conditions (Invitae). ClinVar contains an entry for this variant (Variation ID: 525236). Advanced modeling of protein sequence and biophysical properties (such as structural, functional, and spatial information, amino acid conservation, physicochemical variation, residue mobility, and thermodynamic stability) performed at Invitae indicates that this missense variant is expected to disrupt RSPH4A protein function. In summary, the available evidence is currently insufficient to determine the role of this variant in disease. Therefore, it has been classified as a Variant of Uncertain Significance.